The following is an entry in ClinVar:

ClinVar aggregate classification (germline): Uncertain significance (1 of 4 stars; one submission).

Submission:

Labcorp Genetics (formerly Invitae), Labcorp
Classification: Uncertain significance. Last evaluated: 2024-08-12. Review status: criteria provided, single submitter. Criteria: Invitae Variant Classification Sherloc (09022015). Collection method: clinical testing. Allele origin: germline.
Comment: This sequence change replaces glutamic acid, which is acidic and polar, with glutamine, which is neutral and polar, at codon 548 of the IL23R protein (p.Glu548Gln). This variant is not present in population databases (gnomAD no frequency). This variant has not been reported in the literature in individuals affected with IL23R-related conditions. An algorithm developed to predict the effect of missense changes on protein structure and function (PolyPhen-2) suggests that this variant is likely to be disruptive. In summary, the available evidence is currently insufficient to determine the role of this variant in disease. Therefore, it has been classified as a Variant of Uncertain Significance.

NM_144701.3(IL23R):c.1642G>C (p.Glu548Gln)

Gene: IL23R (interleukin 23 receptor; plus strand). Cytogenetic location: 1p31.3.
Variant type: single nucleotide variant.
Coding change: c.1642G>C on transcript NM_144701.3 (MANE Select); coding-DNA position 1642, G replaced by C.
Protein change: p.Glu548Gln; replaces glutamic acid 548 with glutamine.
Molecular consequence: missense variant.
Genome position (GRCh38, 1-based): chr1:67,258,880, G>C. VCF-style: chr1-67258880-G-C. GRCh37 (hg19) VCF-style: chr1-67724563-G-C.
Other names: short protein forms E548Q.
Identifiers: ClinVar variation 3661245 (VCV003661245.2).